The following is an entry in ClinVar:

ClinVar aggregate classification (germline): Conflicting classifications of pathogenicity. Review status: criteria provided, conflicting classifications (1 of 4 stars). 2 submissions from 2 submitters: Uncertain significance (1); Likely benign (1). Last evaluated 2026-04-13.

Conditions:
DICER1-related tumor predisposition. Also called: DICER1 syndrome; DICER1-related pleuropulmonary blastoma cancer predisposition syndrome. Identifiers: Orphanet 284343, MedGen C3839822, MONDO:0100216.

Allele frequency attached by ClinVar (database versions not stated): TOPMed below 0.00001; gnomAD exomes below 0.00001.

Submissions (2):

Myriad Genetics, Inc.
Classification: Likely benign for DICER1-related tumor predisposition. Last evaluated: 2026-04-13. Review status: criteria provided, single submitter. Criteria: Myriad Autosomal Dominant, Autosomal Recessive and X-Linked Classification Criteria (2023). Collection method: clinical testing. Allele origin: unknown.
Comment: This variant is considered likely benign. This variant is intronic and is not expected to impact mRNA splicing.

Labcorp Genetics (formerly Invitae), Labcorp
Classification: Uncertain significance for DICER1-related tumor predisposition. Last evaluated: 2022-06-15. Review status: criteria provided, single submitter. Criteria: Invitae Variant Classification Sherloc (09022015). Collection method: clinical testing. Allele origin: germline.
Comment: This sequence change falls in intron 15 of the DICER1 gene. It does not directly change the encoded amino acid sequence of the DICER1 protein. This variant is not present in population databases (gnomAD no frequency). This variant has not been reported in the literature in individuals affected with DICER1-related conditions. Algorithms developed to predict the effect of sequence changes on RNA splicing suggest that this variant may disrupt the consensus splice site. In summary, the available evidence is currently insufficient to determine the role of this variant in disease. Therefore, it has been classified as a Variant of Uncertain Significance.

NM_177438.3(DICER1):c.2437-19T>C

Gene: DICER1 (dicer 1, ribonuclease III; minus strand). Cytogenetic location: 14q32.13.
Variant type: single nucleotide variant.
Coding change: c.2437-19T>C on transcript NM_177438.3 (MANE Select); 19 bases into the intron before coding-DNA position 2437, T replaced by C.
Molecular consequence: intron variant.
Genome position (GRCh38, 1-based): chr14:95,108,112, A>G on the plus strand (T>C on the coding strand, the complement: DICER1 is on the minus strand). VCF-style: chr14-95108112-A-G. GRCh37 (hg19) VCF-style: chr14-95574449-A-G.
Other names: c.2437-19T>C (NM_001291628.2, NM_030621.4, NM_001395677.1 and 12 more transcripts); c.2032-19T>C (NM_001395690.1, NM_001395687.1, NM_001395689.1 and 2 more transcripts); c.2155-19T>C (NM_001395686.1); c.1870-19T>C (NM_001395691.1); c.754-19T>C (NM_001395697.1).
Identifiers: ClinVar variation 2421731 (VCV002421731.7), dbSNP rs1891619079, ClinGen allele CA2156308987.